The following is an entry in ClinVar:

NM_004747.4(DLG5):c.1406C>T (p.Ala469Val)

Gene: DLG5 (discs large MAGUK scaffold protein 5; minus strand). Cytogenetic location: 10q22.3.
Variant type: single nucleotide variant.
Coding change: c.1406C>T on transcript NM_004747.4 (MANE Select); coding-DNA position 1406, C replaced by T.
Protein change: p.Ala469Val; replaces alanine 469 with valine.
Molecular consequence: missense variant.
Genome position (GRCh38, 1-based): chr10:77,841,912, G>A on the plus strand (C>T on the coding strand, the complement: DLG5 is on the minus strand). VCF-style: chr10-77841912-G-A. GRCh37 (hg19) VCF-style: chr10-79601670-G-A.
Other names: short protein forms A469V.
Identifiers: ClinVar variation 3025859 (VCV003025859.22), dbSNP rs374686972, ClinGen allele CA5570177.
Genomic context (GRCh38, chr10:77,841,912, plus strand): 5'-GAAAGCCAGCCACCGGCCCACCCACCTACCTGCCGCAGCGCCTCCATCTCCTCATTGGCC[G>A]CCTTCTTCTCAGATGTGCTGCTCTTGAGCTTGGACTCGGCCAGCTCCACTTCGGTCTGCA-3'
Protein context (NP_004738.3, residues 459-479): KLKSSTSEKK[Ala469Val]ANEEMEALRQ

ClinVar aggregate classification (germline): Likely benign (1 of 4 stars; one submission).

Allele frequency attached by ClinVar (database versions not stated): TOPMed 0.00011; ESP Exome Variant Server 0.00015; gnomAD exomes 0.00007; ExAC 0.00008; gnomAD 0.00008.
gnomAD v4.1: 121 of 1,610,722 alleles (0.0075%); highest among the groups gnomAD compares: Middle Eastern, 0.033%; no homozygotes.

Submission:

CeGaT Center for Human Genetics Tuebingen
Classification: Likely benign. Last evaluated: 2024-02-01. Review status: criteria provided, single submitter. Criteria: CeGaT Center For Human Genetics Tuebingen Variant Classification Criteria Version 2. Collection method: clinical testing. Allele origin: germline. Affected: yes. Observed: 1 variant allele.
Comment: DLG5: BP4